The following is an entry in ClinVar:

NM_001329943.3(KIAA0586):c.367A>T (p.Thr123Ser)

Gene: KIAA0586 (KIAA0586; plus strand). Cytogenetic location: 14q23.1.
Variant type: single nucleotide variant.
Coding change: c.367A>T on transcript NM_001329943.3 (MANE Select); coding-DNA position 367, A replaced by T.
Protein change: p.Thr123Ser; replaces threonine 123 with serine.
Molecular consequence: missense variant.
Genome position (GRCh38, 1-based): chr14:58,432,414, A>T. VCF-style: chr14-58432414-A-T. GRCh37 (hg19) VCF-style: chr14-58899132-A-T.
Other names: c.367A>T (NM_014749.3); c.403A>T, p.Thr135Ser (NM_001244189.2); c.322A>T, p.Thr108Ser (NM_001244190.2); c.112A>T, p.Thr38Ser (NM_001244191.2, NM_001244192.2, NM_001329945.2 and 2 more transcripts); c.367A>T, p.Thr123Ser (NM_001329944.2, NM_001329946.2, NM_001329947.2 and 1 more transcripts); c.403A>T (NM_001244189.1); short protein forms T108S, T38S, T135S, T123S.
Identifiers: ClinVar variation 1497515 (VCV001497515.11), dbSNP rs183240083, ClinGen allele CA7205356.

ClinVar aggregate classification (germline): Uncertain significance. Review status: criteria provided, multiple submitters, no conflicts (2 of 4 stars). 4 submissions from 4 submitters: Uncertain significance (4). Last evaluated 2026-05-18.

Conditions:
KIAA0586-related disorder. Also called: KIAA0586- Related disorders; KIAA0586-related condition.
Joubert syndrome 23 (JBTS23). Identifiers: Orphanet 475, MedGen C4084822, MONDO:0014664, OMIM 616490.
Short-rib thoracic dysplasia 14 with polydactyly (SRTD14). Identifiers: Orphanet 397715, MedGen C4225286, MONDO:0014688, OMIM 616546.
Inborn genetic diseases. Identifiers: MedGen C0950123, MeSH D030342.

Allele frequency attached by ClinVar (database versions not stated): gnomAD exomes below 0.00001 and 0.00001; ExAC 0.00002; gnomAD 0.00003; 1000 Genomes Project 30x 0.00031.
gnomAD v4.1: 16 of 1,569,074 alleles (0.001%); highest among the groups gnomAD compares: South Asian, 0.012%; no homozygotes.

Submissions (4):

GeneDx
Classification: Uncertain significance. Last evaluated: 2026-05-18. Review status: criteria provided, single submitter. Criteria: GeneDx Variant Classification Process June 2021. Collection method: clinical testing. Allele origin: germline.
Comment: Not observed at significant frequency in large population cohorts (gnomAD); In silico analysis suggests that this missense variant does not alter protein structure/function; Has not been previously published as pathogenic or benign to our knowledge

Ambry Genetics
Classification: Uncertain significance for Inborn genetic diseases. Last evaluated: 2025-10-24. Review status: criteria provided, single submitter. Criteria: Ambry Variant Classification Scheme 2023. Collection method: clinical testing. Allele origin: germline.

Labcorp Genetics (formerly Invitae), Labcorp
Classification: Uncertain significance for Joubert syndrome 23; Short-rib thoracic dysplasia 14 with polydactyly. Last evaluated: 2025-01-16. Review status: criteria provided, single submitter. Criteria: Invitae Variant Classification Sherloc (09022015). Collection method: clinical testing. Allele origin: germline.
Comment: This sequence change replaces threonine, which is neutral and polar, with serine, which is neutral and polar, at codon 135 of the KIAA0586 protein (p.Thr135Ser). This variant is present in population databases (rs183240083, gnomAD 0.007%). This variant has not been reported in the literature in individuals affected with KIAA0586-related conditions. ClinVar contains an entry for this variant (Variation ID: 1497515). Invitae Evidence Modeling of protein sequence and biophysical properties (such as structural, functional, and spatial information, amino acid conservation, physicochemical variation, residue mobility, and thermodynamic stability) indicates that this missense variant is not expected to disrupt KIAA0586 protein function with a negative predictive value of 80%. In summary, the available evidence is currently insufficient to determine the role of this variant in disease. Therefore, it has been classified as a Variant of Uncertain Significance.

PreventionGenetics, part of Exact Sciences
Classification: Uncertain significance for KIAA0586-related condition. Last evaluated: 2023-08-14. Review status: criteria provided, single submitter. Criteria: ACMG Guidelines, 2015. Collection method: clinical testing. Allele origin: germline.
Comment: The KIAA0586 c.403A>T variant is predicted to result in the amino acid substitution p.Thr135Ser. To our knowledge, this variant has not been reported in the literature. This variant is reported in 0.0066% of alleles in individuals of East Asian descent in gnomAD. Both the gnomAD data and PreventionGenetics' internal allele frequencies indicate that this variant is likely in cis with two other variants to form the complex allele p.[Ser60Phe;Thr135Ser;Asp1482Gly]. At this time, the clinical significance of this variant is uncertain, both independently and as part of the complex allele.